The following is an entry in ClinVar:

ClinVar aggregate classification (germline): Uncertain significance (1 of 4 stars; one submission).

Conditions:
Inborn genetic diseases. Identifiers: MedGen C0950123, MeSH D030342.

Submission:

Ambry Genetics
Classification: Uncertain significance for Inborn genetic diseases. Last evaluated: 2026-02-19. Review status: criteria provided, single submitter. Criteria: Ambry Variant Classification Scheme 2023. Collection method: clinical testing. Allele origin: germline.
Comment: The p.V55L variant (also known as c.163G>C), located in coding exon 1 of the KDM1A gene, results from a G to C substitution at nucleotide position 163. The valine at codon 55 is replaced by leucine, an amino acid with highly similar properties. This amino acid position is conserved. In addition, this alteration is predicted to be tolerated by in silico analysis. Based on the available evidence, the clinical significance of this variant remains unclear.

NM_001009999.3(KDM1A):c.163G>C (p.Val55Leu)

Gene: KDM1A (lysine demethylase 1A; plus strand). Cytogenetic location: 1p36.12.
Variant type: single nucleotide variant.
Coding change: c.163G>C on transcript NM_001009999.3 (MANE Select); coding-DNA position 163, G replaced by C.
Protein change: p.Val55Leu; replaces valine 55 with leucine.
Molecular consequence: missense variant.
Genome position (GRCh38, 1-based): chr1:23,019,759, G>C. VCF-style: chr1-23019759-G-C. GRCh37 (hg19) VCF-style: chr1-23346252-G-C.
Other names: c.163G>C, p.Val55Leu (NM_001363654.2, NM_001410762.1, NM_001410763.1 and 1 more transcripts); short protein forms V55L.
Identifiers: ClinVar variation 4844711 (VCV004844711.1).